The following is an entry in ClinVar:

ClinVar aggregate classification (germline): Uncertain significance (1 of 4 stars; one submission).

Conditions:
Severe combined immunodeficiency due to DNA-PKcs deficiency. Also called: IMMUNODEFICIENCY 26 WITH NEUROLOGIC ABNORMALITIES; Immunodeficiency 26 with or without neurologic abnormalities. Identifiers: Orphanet 317425, MedGen C4014833, MONDO:0014423, OMIM 615966.

Allele frequency attached by ClinVar (database versions not stated): gnomAD 0.00002; gnomAD exomes below 0.00001; TOPMed 0.00002.
gnomAD v4.1: 4 of 1,609,900 alleles (0.00025%); highest among the groups gnomAD compares: African/African-American, 0.0053%; no homozygotes.

Submission:

Labcorp Genetics (formerly Invitae), Labcorp
Classification: Uncertain significance for Severe combined immunodeficiency due to DNA-PKcs deficiency. Last evaluated: 2017-12-27. Review status: criteria provided, single submitter. Criteria: Invitae Variant Classification Sherloc (09022015). Collection method: clinical testing. Allele origin: germline.
Comment: In summary, the available evidence is currently insufficient to determine the role of this variant in disease. Therefore, it has been classified as a Variant of Uncertain Significance. Algorithms developed to predict the effect of missense changes on protein structure and function do not agree on the potential impact of this missense change (SIFT: "Tolerated"; PolyPhen-2: "Probably Damaging"; Align-GVGD: "Class C0"). This variant has not been reported in the literature in individuals with PRKDC-related disease. This variant is not present in population databases (ExAC no frequency). This sequence change replaces leucine with isoleucine at codon 4098 of the PRKDC protein (p.Leu4098Ile). The leucine residue is moderately conserved and there is a small physicochemical difference between leucine and isoleucine.

NM_006904.7(PRKDC):c.12292C>A (p.Leu4098Ile)

Gene: PRKDC (protein kinase, DNA-activated, catalytic subunit; minus strand). Cytogenetic location: 8q11.21.
Variant type: single nucleotide variant.
Coding change: c.12292C>A on transcript NM_006904.7 (MANE Select); coding-DNA position 12292, C replaced by A.
Protein change: p.Leu4098Ile; replaces leucine 4098 with isoleucine.
Molecular consequence: missense variant.
Genome position (GRCh38, 1-based): chr8:47,774,268, G>T on the plus strand (C>A on the coding strand, the complement: PRKDC is on the minus strand). VCF-style: chr8-47774268-G-T. GRCh37 (hg19) VCF-style: chr8-48686829-G-T.
Other names: c.12199C>A, p.Leu4067Ile (NM_001081640.2); short protein forms L4098I, L4067I.
Identifiers: ClinVar variation 541989 (VCV000541989.4), dbSNP rs1323956173, ClinGen allele CA371126649.